The following is an entry in ClinVar:

ClinVar aggregate classification (germline): Uncertain significance. Review status: criteria provided, multiple submitters, no conflicts (2 of 4 stars). 4 submissions from 3 submitters: Uncertain significance (4). Last evaluated 2024-02-18.

Conditions:
Inborn genetic diseases. Identifiers: MedGen C0950123, MeSH D030342.
Seckel syndrome 1 (SCKL1). Also called: MICROCEPHALIC PRIMORDIAL DWARFISM I. Identifiers: Orphanet 808, MedGen C4551474, MONDO:0008869, OMIM 210600.
Familial cutaneous telangiectasia and oropharyngeal predisposition cancer syndrome. Identifiers: Orphanet 313846, MedGen C3281203, MONDO:0013806, OMIM 614564.

Allele frequency attached by ClinVar (database versions not stated): ExAC 0.00002; TOPMed 0.00002; ESP Exome Variant Server 0.00008.
gnomAD v4.1: 3 of 1,613,594 alleles (0.00019%); highest among the groups gnomAD compares: African/African-American, 0.004%; no homozygotes.

Submissions (4):

Ambry Genetics
Classification: Uncertain significance for Inborn genetic diseases. Last evaluated: 2024-02-18. Review status: criteria provided, single submitter. Criteria: Ambry Variant Classification Scheme 2023. Collection method: clinical testing. Allele origin: germline.
Comment: The p.A2294S variant (also known as c.6880G>T), located in coding exon 40 of the ATR gene, results from a G to T substitution at nucleotide position 6880. The alanine at codon 2294 is replaced by serine, an amino acid with similar properties. This amino acid position is conserved. In addition, this alteration is predicted to be tolerated by in silico analysis. Since supporting evidence is limited at this time, the clinical significance of this alteration remains unclear.

Genome-Nilou Lab
Classification: Uncertain significance for Seckel syndrome 1. Last evaluated: 2023-02-08. Review status: criteria provided, single submitter. Criteria: ACMG Guidelines, 2015. Collection method: clinical testing. Allele origin: germline.

Genome-Nilou Lab
Classification: Uncertain significance for Familial cutaneous telangiectasia and oropharyngeal predisposition cancer syndrome. Last evaluated: 2023-02-08. Review status: criteria provided, single submitter. Criteria: ACMG Guidelines, 2015. Collection method: clinical testing. Allele origin: germline.

Labcorp Genetics (formerly Invitae), Labcorp
Classification: Uncertain significance. Last evaluated: 2021-10-06. Review status: criteria provided, single submitter. Criteria: Invitae Variant Classification Sherloc (09022015). Collection method: clinical testing. Allele origin: germline.
Comment: This sequence change replaces alanine with serine at codon 2294 of the ATR protein (p.Ala2294Ser). The alanine residue is moderately conserved and there is a moderate physicochemical difference between alanine and serine. In summary, the available evidence is currently insufficient to determine the role of this variant in disease. Therefore, it has been classified as a Variant of Uncertain Significance. Algorithms developed to predict the effect of missense changes on protein structure and function output the following: SIFT: "Tolerated"; PolyPhen-2: "Benign"; Align-GVGD: "Class C0". The serine amino acid residue is found in multiple mammalian species, which suggests that this missense change does not adversely affect protein function. This variant has not been reported in the literature in individuals affected with ATR-related conditions. This variant is present in population databases (rs370379866, ExAC 0.02%).

NM_001184.4(ATR):c.6880G>T (p.Ala2294Ser)

Gene: ATR (ATR checkpoint kinase; minus strand). Cytogenetic location: 3q23.
Variant type: single nucleotide variant.
Coding change: c.6880G>T on transcript NM_001184.4 (MANE Select); coding-DNA position 6880, G replaced by T.
Protein change: p.Ala2294Ser; replaces alanine 2294 with serine.
Molecular consequence: missense variant.
Genome position (GRCh38, 1-based): chr3:142,466,341, C>A on the plus strand (G>T on the coding strand, the complement: ATR is on the minus strand). VCF-style: chr3-142466341-C-A. GRCh37 (hg19) VCF-style: chr3-142185183-C-A.
Other names: c.6688G>T, p.Ala2230Ser (NM_001354579.2); short protein forms A2294S, A2230S.
Identifiers: ClinVar variation 1363867 (VCV001363867.8), dbSNP rs370379866, ClinGen allele CA2649257.